The following is an entry in ClinVar:

NM_001370466.1(NOD2):c.178C>T (p.Arg60Cys)

Gene: NOD2 (nucleotide binding oligomerization domain containing 2; plus strand). Cytogenetic location: 16q12.1.
Variant type: single nucleotide variant.
Coding change: c.178C>T on transcript NM_001370466.1 (MANE Select); coding-DNA position 178, C replaced by T.
Protein change: p.Arg60Cys; replaces arginine 60 with cysteine.
Molecular consequence: missense variant. On other transcripts: non-coding transcript variant (1).
Genome position (GRCh38, 1-based): chr16:50,699,673, C>T. VCF-style: chr16-50699673-C-T. GRCh37 (hg19) VCF-style: chr16-50733584-C-T.
Other names: c.178C>T, p.Arg60Cys (NM_001293557.2); c.259C>T, p.Arg87Cys (NM_022162.3); short protein forms R87C, R60C.
Identifiers: ClinVar variation 576113 (VCV000576113.10), dbSNP rs374128251, ClinGen allele CA8051234.

ClinVar aggregate classification (germline): Uncertain significance. Review status: criteria provided, multiple submitters, no conflicts (2 of 4 stars). 2 submissions from 2 submitters: Uncertain significance (2). Last evaluated 2026-08-31.

Conditions:
NOD2-related disorder. Also called: NOD2-related condition.
Regional enteritis. Also called: Enteritis, Granulomatous. Identifiers: MedGen C0678202, MeSH D003424.
Blau syndrome (BLAUS). Also called: ARTHROCUTANEOUVEAL GRANULOMATOSIS; GRANULOMATOSIS, FAMILIAL JUVENILE SYSTEMIC; GRANULOMATOSIS, FAMILIAL, BLAU TYPE; GRANULOMATOUS INFLAMMATORY ARTHRITIS, DERMATITIS, AND UVEITIS, FAMILIAL; JABS SYNDROME. Identifiers: Orphanet 90340, MedGen C5201146, MONDO:0008523, OMIM 186580.

Allele frequency attached by ClinVar (database versions not stated): ExAC 0.00002; gnomAD exomes 0.00002; gnomAD 0.00003 and 0.00004; TOPMed 0.00004; ESP Exome Variant Server 0.00008.
gnomAD v4.1: 48 of 1,614,036 alleles (0.003%); highest among the groups gnomAD compares: Non-Finnish European, 0.0035%; no homozygotes.

Submissions (2):

PreventionGenetics, part of Exact Sciences
Classification: Uncertain significance for NOD2-related condition. Last evaluated: 2026-08-31. Review status: criteria provided, single submitter. Criteria: ACMG Guidelines, 2015. Collection method: clinical testing. Allele origin: germline.
Comment: The NOD2 c.259C>T variant is predicted to result in the amino acid substitution p.Arg87Cys. To our knowledge, this variant has not been reported in the literature. This variant is reported in 0.0044% of alleles in individuals of European (Non-Finnish) descent in gnomAD. At this time, the clinical significance of this variant is uncertain due to the absence of conclusive functional and genetic evidence.

Labcorp Genetics (formerly Invitae), Labcorp
Classification: Uncertain significance for Regional enteritis; Blau syndrome. Last evaluated: 2025-10-15. Review status: criteria provided, single submitter. Criteria: Invitae Variant Classification Sherloc (09022015). Collection method: clinical testing. Allele origin: germline.
Comment: This sequence change replaces arginine, which is basic and polar, with cysteine, which is neutral and slightly polar, at codon 87 of the NOD2 protein (p.Arg87Cys). This variant is present in population databases (rs374128251, gnomAD 0.004%). This variant has not been reported in the literature in individuals affected with NOD2-related conditions. ClinVar contains an entry for this variant (Variation ID: 576113). Invitae Evidence Modeling of protein sequence and biophysical properties (such as structural, functional, and spatial information, amino acid conservation, physicochemical variation, residue mobility, and thermodynamic stability) indicates that this missense variant is not expected to disrupt NOD2 protein function with a negative predictive value of 95%. In summary, the available evidence is currently insufficient to determine the role of this variant in disease. Therefore, it has been classified as a Variant of Uncertain Significance.